The following is an entry in ClinVar:

NM_144643.4(SCLT1):c.1746G>A (p.Ala582=)

Gene: SCLT1 (sodium channel and clathrin linker 1; minus strand). Cytogenetic location: 4q28.2.
Variant type: single nucleotide variant.
Coding change: c.1746G>A on transcript NM_144643.4 (MANE Select); coding-DNA position 1746, G replaced by A.
Protein change: p.Ala582=; no amino-acid change (alanine 582 retained).
Molecular consequence: synonymous variant.
Genome position (GRCh38, 1-based): chr4:128,936,738, C>T on the plus strand (G>A on the coding strand, the complement: SCLT1 is on the minus strand). VCF-style: chr4-128936738-C-T. GRCh37 (hg19) VCF-style: chr4-129857893-C-T.
Identifiers: ClinVar variation 731593 (VCV000731593.16), dbSNP rs73850039, ClinGen allele CA3079530.

ClinVar aggregate classification (germline): Benign/Likely benign. Review status: criteria provided, multiple submitters, no conflicts (2 of 4 stars). 5 submissions from 5 submitters: Benign (2); Likely benign (2). 1 of the submissions does not count toward it. Last evaluated 2026-07-01.

Conditions:
SCLT1-related disorder. Also called: SCLT1-related condition.

Allele frequency attached by ClinVar (database versions not stated): 1000 Genomes Project 30x 0.00500; gnomAD exomes 0.00103; ExAC 0.00122; ESP Exome Variant Server 0.00377; gnomAD 0.00411 and 0.00432; TOPMed 0.00492; 1000 Genomes Project 0.00499.
gnomAD v4.1: 1,984 of 1,612,834 alleles (0.12%); highest among the groups gnomAD compares: African/African-American, 1.1%; 4 homozygotes.

Submissions (5):

CeGaT Center for Human Genetics Tuebingen
Classification: Likely benign. Last evaluated: 2026-07-01. Review status: criteria provided, single submitter. Criteria: CeGaT Center For Human Genetics Tuebingen Variant Classification Criteria Version 2. Collection method: clinical testing. Allele origin: germline. Affected: yes. Observed: 1 variant allele.
Comment: SCLT1: BP4, BP7, BS1

Labcorp Genetics (formerly Invitae), Labcorp
Classification: Benign. Last evaluated: 2026-02-03. Review status: criteria provided, single submitter. Criteria: Invitae Variant Classification Sherloc (09022015). Collection method: clinical testing. Allele origin: germline.

Blueprint Genetics
Classification: Likely benign. Last evaluated: 2024-11-13. Review status: criteria provided, single submitter. Criteria: ACMG Guidelines, 2015. Collection method: clinical testing. Allele origin: germline.

Breakthrough Genomics
Classification: Benign. Review status: criteria provided, single submitter. Criteria: ACMG Guidelines, 2015. Collection method: not provided. Allele origin: germline. Inheritance: Unknown mechanism. Affected: yes.

PreventionGenetics, part of Exact Sciences
Classification: Benign for SCLT1-related condition. Last evaluated: 2024-07-17. Review status: no assertion criteria provided. Collection method: clinical testing. Allele origin: germline. Not counted in ClinVar's aggregate classification.
Comment: This variant is classified as benign based on ACMG/AMP sequence variant interpretation guidelines (Richards et al. 2015 PMID: 25741868, with internal and published modifications).